The following is an entry in ClinVar:

ClinVar aggregate classification (germline): Conflicting classifications of pathogenicity. Review status: criteria provided, conflicting classifications (1 of 4 stars). 7 submissions from 7 submitters: Uncertain significance (5); Likely benign (1). 1 of the submissions does not count toward it. Last evaluated 2026-08-06.

Conditions:
Hereditary cancer-predisposing syndrome. Also called: Hereditary Cancer Syndrome; Neoplastic Syndromes, Hereditary; Hereditary neoplastic syndrome; Tumor predisposition. Identifiers: Orphanet 140162, MedGen C0027672, MeSH D009386, MONDO:0015356.
Breast-ovarian cancer, familial, susceptibility to, 1 (BROVCA1). Also called: BRCA1 Hereditary Breast and Ovarian Cancer; OVARIAN CANCER, SUSCEPTIBILITY TO. Identifiers: Orphanet 145, MedGen C2676676, MONDO:0011450, OMIM 604370. Disease mechanism: loss of function.
Hereditary breast ovarian cancer syndrome. Also called: Hereditary breast and/or ovarian cancer syndrome; Hereditary breast and ovarian cancer syndrome; Hereditary breast and ovarian cancer; Hereditary breast and ovarian cancer syndrome (HBOC); Breast and ovarian cancer; BRCA1- and BRCA2-Associated Hereditary Breast and Ovarian Cancer. Identifiers: Orphanet 145, MedGen C0677776, MeSH D061325, MONDO:0003582. Disease mechanism: loss of function.

Allele frequency attached by ClinVar (database versions not stated): gnomAD exomes below 0.00001.
gnomAD v4.1: 5 of 1,614,038 alleles (0.00031%); highest among the groups gnomAD compares: Non-Finnish European, 0.00042%; no homozygotes.

Submissions (7):

OLLIN Analises Genomicas, OLLIN
Classification: Uncertain significance for Breast-ovarian cancer, familial, susceptibility to, 1. Last evaluated: 2026-08-06. Review status: criteria provided, single submitter. Criteria: ACMG Guidelines 2015 PMID 25741868. Collection method: clinical testing. Allele origin: germline. Inheritance: Autosomal recessive inheritance.
Comment: This missense variant, located in exon 10 (of 23), has been reported in ClinVar (accession VCV002099300.6) and in gnomAD with an allele frequency of 0.00031%. However, to our knowledge, it has not been reported in the scientific literature. In silico analysis is inconclusive regarding the impact of this variant. This gene has high tolerance to missense variation. According to the currently available evidence, this variant has been classified as uncertain significance (PM2_P, BP1_S).

Ambry Genetics
Classification: Uncertain significance for Hereditary cancer-predisposing syndrome. Last evaluated: 2025-06-23. Review status: criteria provided, single submitter. Criteria: Ambry Variant Classification Scheme 2023. Collection method: clinical testing. Allele origin: germline.
Comment: The p.S694N variant (also known as c.2081G>A), located in coding exon 9 of the BRCA1 gene, results from a G to A substitution at nucleotide position 2081. The serine at codon 694 is replaced by asparagine, an amino acid with highly similar properties. This amino acid position is not well conserved in available vertebrate species. In addition, this alteration is predicted to be tolerated by in silico analysis. Based on the available evidence, the clinical significance of this variant remains unclear.

Labcorp Genetics (formerly Invitae), Labcorp
Classification: Uncertain significance for Hereditary breast ovarian cancer syndrome. Last evaluated: 2025-06-16. Review status: criteria provided, single submitter. Criteria: Invitae Variant Classification Sherloc (09022015). Collection method: clinical testing. Allele origin: germline.
Comment: This sequence change replaces serine, which is neutral and polar, with asparagine, which is neutral and polar, at codon 694 of the BRCA1 protein (p.Ser694Asn). This variant is not present in population databases (gnomAD no frequency). This variant has not been reported in the literature in individuals affected with BRCA1-related conditions. ClinVar contains an entry for this variant (Variation ID: 96904). Invitae Evidence Modeling of protein sequence and biophysical properties (such as structural, functional, and spatial information, amino acid conservation, physicochemical variation, residue mobility, and thermodynamic stability) indicates that this missense variant is not expected to disrupt BRCA1 protein function with a negative predictive value of 80%. In summary, the available evidence is currently insufficient to determine the role of this variant in disease. Therefore, it has been classified as a Variant of Uncertain Significance.

GeneDx
Classification: Uncertain significance. Last evaluated: 2024-03-18. Review status: criteria provided, single submitter. Criteria: GeneDx Variant Classification Process June 2021. Collection method: clinical testing. Allele origin: germline. Affected: yes.
Comment: Has not been previously published as pathogenic or benign to our knowledge; Not observed at significant frequency in large population cohorts (gnomAD); Also known as c.2200G>A; This variant is associated with the following publications: (PMID: 24504028, 29884841, 31853058, 32377563, 15343273)

University of Washington Department of Laboratory Medicine, University of Washington
Classification: Likely benign for Hereditary cancer-predisposing syndrome. Last evaluated: 2023-03-23. Review status: criteria provided, single submitter. Criteria: Dines et al. (Genet Med. 2020). Collection method: curation. Allele origin: germline.
Comment: Missense variant in a coldspot region where missense variants are very unlikely to be pathogenic (PMID:31911673).

BRCA1 coldspot (exon 11 using historical exon numbering). Reclassification based on statistical prior probability

Color Diagnostics, LLC DBA Color Health
Classification: Uncertain significance for Hereditary cancer-predisposing syndrome. Last evaluated: 2022-12-14. Review status: criteria provided, single submitter. Criteria: ACMG Guidelines, 2015. Collection method: clinical testing. Allele origin: germline.
Comment: This missense variant replaces serine with asparagine at codon 694 of the BRCA1 protein. Computational prediction suggests that this variant may not impact protein structure and function (internally defined REVEL score threshold <= 0.5, PMID: 27666373). To our knowledge, functional studies have not been reported for this variant. This variant has not been reported as a germline mutation in individuals affected with BRCA1-related disorders in the literature. This variant has not been identified in the general population by the Genome Aggregation Database (gnomAD). The available evidence is insufficient to determine the role of this variant in disease conclusively. Therefore, this variant is classified as a Variant of Uncertain Significance.

Sharing Clinical Reports Project (SCRP)
Classification: Uncertain significance for Breast-ovarian cancer, familial 1. Last evaluated: 2012-05-01. Review status: no assertion criteria provided. Collection method: clinical testing. Allele origin: germline. Not counted in ClinVar's aggregate classification.

NM_007294.4(BRCA1):c.2081G>A (p.Ser694Asn)

Gene: BRCA1 (BRCA1 DNA repair associated; minus strand). Cytogenetic location: 17q21.31.
Variant type: single nucleotide variant.
Coding change: c.2081G>A on transcript NM_007294.4 (MANE Select); coding-DNA position 2081, G replaced by A.
Protein change: p.Ser694Asn; replaces serine 694 with asparagine.
Molecular consequence: missense variant. On other transcripts: intron variant (137).
Genome position (GRCh38, 1-based): chr17:43,093,450, C>T on the plus strand (G>A on the coding strand, the complement: BRCA1 is on the minus strand). VCF-style: chr17-43093450-C-T. GRCh37 (hg19) VCF-style: chr17-41245467-C-T.
Other names: 2200G>A; c.1868G>A, p.Ser623Asn (NM_001407571.1, NM_001407853.1, NM_001407894.1 and 9 more transcripts); c.2081G>A, p.Ser694Asn (NM_001407581.1, NM_001407582.1, NM_001407583.1 and 30 more transcripts); c.2078G>A, p.Ser693Asn (NM_001407587.1, NM_001407590.1, NM_001407591.1 and 22 more transcripts); c.2072G>A, p.Ser691Asn (NM_001407646.1, NM_001407647.1); c.1958G>A, p.Ser653Asn (NM_001407648.1, NM_001407664.1, NM_001407665.1 and 19 more transcripts); c.1955G>A, p.Ser652Asn (NM_001407649.1, NM_001407670.1, NM_001407671.1 and 11 more transcripts); c.2003G>A, p.Ser668Asn (NM_001407663.1, NM_001407653.1, NM_001407654.1 and 4 more transcripts); and 41 more; short protein forms S694N, S647N, S623N, S691N, S398N, S526N, S605N, S606N.
Identifiers: ClinVar variation 96904 (VCV000096904.25), dbSNP rs431825388, ClinGen allele CA001381.